The following is an entry in ClinVar:

NM_004655.4(AXIN2):c.1214A>G (p.Glu405Gly)

Gene: AXIN2 (axin 2; minus strand). Cytogenetic location: 17q24.1.
Variant type: single nucleotide variant.
Coding change: c.1214A>G on transcript NM_004655.4 (MANE Select); coding-DNA position 1214, A replaced by G.
Protein change: p.Glu405Gly; replaces glutamic acid 405 with glycine.
Molecular consequence: missense variant.
Genome position (GRCh38, 1-based): chr17:65,537,822, T>C on the plus strand (A>G on the coding strand, the complement: AXIN2 is on the minus strand). VCF-style: chr17-65537822-T-C. GRCh37 (hg19) VCF-style: chr17-63533940-T-C.
Other names: c.1214A>G, p.Glu405Gly (NM_001363813.1); short protein forms E405G.
Identifiers: ClinVar variation 3224353 (VCV003224353.1), dbSNP rs376701878, ClinGen allele CA400677948.
Genomic context (GRCh38, chr17:65,537,822, plus strand): 5'-AGGGAGAGGGGGTGCTGCGTGGGCGCCCCCTCCCGCGAATTGAGTGTGAGCTCGGAGCCC[T>C]CTCTCTCTTCATCCTGAAAGGGAAGACGTCAGAAGGAGAAGTGACCCAGGAAGCAGAAGG-3'
Protein context (NP_004646.3, residues 395-415): LQQIREDEER[Glu405Gly]GSELTLNSRE

ClinVar aggregate classification (germline): Uncertain significance (1 of 4 stars; one submission).

Conditions:
Hereditary cancer-predisposing syndrome. Also called: Tumor predisposition; Hereditary neoplastic syndrome; Hereditary Cancer Syndrome; Neoplastic Syndromes, Hereditary. Identifiers: Orphanet 140162, MedGen C0027672, MeSH D009386, MONDO:0015356.

Submission:

Ambry Genetics
Classification: Uncertain significance for Hereditary cancer-predisposing syndrome. Last evaluated: 2023-10-01. Review status: criteria provided, single submitter. Criteria: Ambry Variant Classification Scheme 2023. Collection method: clinical testing. Allele origin: germline.
Comment: The p.E405G variant (also known as c.1214A>G), located in coding exon 5 of the AXIN2 gene, results from an A to G substitution at nucleotide position 1214. The glutamic acid at codon 405 is replaced by glycine, an amino acid with similar properties. This amino acid position is conserved. In addition, the in silico prediction for this alteration is inconclusive. Since supporting evidence is limited at this time, the clinical significance of this alteration remains unclear.